The following is an entry in ClinVar:

ClinVar aggregate classification (germline): Uncertain significance. Review status: criteria provided, multiple submitters, no conflicts (2 of 4 stars). 4 submissions from 3 submitters: Uncertain significance (4). Last evaluated 2026-01-17.

Conditions:
Developmental and epileptic encephalopathy, 14 (DEE14). Also called: Early infantile epileptic encephalopathy 14. Identifiers: Orphanet 293181, MedGen C3554195, MONDO:0013989, OMIM 614959.
Autosomal dominant nocturnal frontal lobe epilepsy 5. Also called: KCNT1-Related Epilepsy; CILIARY DYSKINESIA, PRIMARY, 28, WITHOUT SITUS INVERSUS; CILIARY DYSKINESIA, PRIMARY, 28, WITH SITUS INVERSUS; Epilepsy, nocturnal frontal lobe, 5. Identifiers: Orphanet 98784, MedGen C3554306, MONDO:0014002, OMIM 615005.

Allele frequency attached by ClinVar (database versions not stated): gnomAD 0.00002; gnomAD exomes 0.00002 and 0.00007; TOPMed 0.00002; ExAC 0.00005.
gnomAD v4.1: 94 of 1,577,484 alleles (0.006%); highest among the groups gnomAD compares: Middle Eastern, 0.02%; no homozygotes.

Submissions (4):

Labcorp Genetics (formerly Invitae), Labcorp
Classification: Uncertain significance for Autosomal dominant nocturnal frontal lobe epilepsy 5; Developmental and epileptic encephalopathy, 14. Last evaluated: 2026-01-17. Review status: criteria provided, single submitter. Criteria: Invitae Variant Classification Sherloc (09022015). Collection method: clinical testing. Allele origin: germline.
Comment: This sequence change replaces alanine, which is neutral and non-polar, with valine, which is neutral and non-polar, at codon 1120 of the KCNT1 protein (p.Ala1120Val). This variant is present in population databases (rs745484103, gnomAD 0.006%). This variant has not been reported in the literature in individuals affected with KCNT1-related conditions. ClinVar contains an entry for this variant (Variation ID: 449921). Invitae Evidence Modeling of protein sequence and biophysical properties (such as structural, functional, and spatial information, amino acid conservation, physicochemical variation, residue mobility, and thermodynamic stability) indicates that this missense variant is not expected to disrupt KCNT1 protein function with a negative predictive value of 80%. In summary, the available evidence is currently insufficient to determine the role of this variant in disease. Therefore, it has been classified as a Variant of Uncertain Significance.

Genome-Nilou Lab
Classification: Uncertain significance for Developmental and epileptic encephalopathy, 14. Last evaluated: 2022-03-15. Review status: criteria provided, single submitter. Criteria: ACMG Guidelines, 2015. Collection method: clinical testing. Allele origin: germline. Affected: no.

Genome-Nilou Lab
Classification: Uncertain significance for Autosomal dominant nocturnal frontal lobe epilepsy 5. Last evaluated: 2022-03-15. Review status: criteria provided, single submitter. Criteria: ACMG Guidelines, 2015. Collection method: clinical testing. Allele origin: germline. Affected: no.

GeneDx
Classification: Uncertain significance. Last evaluated: 2017-04-03. Review status: criteria provided, single submitter. Criteria: GeneDx Variant Classification (06012015). Collection method: clinical testing. Allele origin: germline. Affected: yes.
Comment: A variant of uncertain significance has been identified in the KCNT1 gene. The A1120V variant has not been published as a pathogenic variant, nor has it been reported as a benign variant to our knowledge. The A1120V variant is observed in 2/19366 (0.01%) alleles from individuals of European background (Lek et al., 2016; 1000 Genomes Consortium et al., 2015; Exome Variant Server). The A1120V variant is a conservative amino acid substitution, which is not likely to impact secondary protein structure as these residues share similar properties. This substitution occurs at a position that is not conserved. However, in silico analysis is inconsistent in its predictions as to whether or not the variant is damaging to the protein structure/function. Therefore, based on the currently available information, it is unclear whether this variant is a pathogenic variant or a rare benign variant.

NM_020822.3(KCNT1):c.3359C>T (p.Ala1120Val)

Gene: KCNT1 (potassium sodium-activated channel subfamily T member 1; plus strand). Cytogenetic location: 9q34.3.
Variant type: single nucleotide variant.
Coding change: c.3359C>T on transcript NM_020822.3 (MANE Select); coding-DNA position 3359, C replaced by T.
Protein change: p.Ala1120Val; replaces alanine 1120 with valine.
Molecular consequence: missense variant.
Genome position (GRCh38, 1-based): chr9:135,786,378, C>T. VCF-style: chr9-135786378-C-T. GRCh37 (hg19) VCF-style: chr9-138678224-C-T.
Other names: c.3224C>T, p.Ala1075Val (NM_001272003.2); short protein forms A1120V, A1075V.
Identifiers: ClinVar variation 449921 (VCV000449921.11), dbSNP rs745484103, ClinGen allele CA5327790.